The following is an entry in ClinVar:

ClinVar aggregate classification (germline): Uncertain significance (1 of 4 stars; one submission).

Conditions:
Hereditary cancer-predisposing syndrome. Also called: Neoplastic Syndromes, Hereditary; Tumor predisposition; Hereditary Cancer Syndrome; Hereditary neoplastic syndrome. Identifiers: Orphanet 140162, MedGen C0027672, MeSH D009386, MONDO:0015356.

Submission:

Ambry Genetics
Classification: Uncertain significance for Hereditary cancer-predisposing syndrome. Last evaluated: 2021-06-23. Review status: criteria provided, single submitter. Criteria: Ambry Variant Classification Scheme 2023. Collection method: clinical testing. Allele origin: germline.
Comment: The p.N656S variant (also known as c.1967A>G), located in coding exon 13 of the PDGFRA gene, results from an A to G substitution at nucleotide position 1967. The asparagine at codon 656 is replaced by serine, an amino acid with highly similar properties. This amino acid position is conserved. In addition, the in silico prediction for this alteration is inconclusive. Since supporting evidence is limited at this time, the clinical significance of this alteration remains unclear.

NM_006206.6(PDGFRA):c.1967A>G (p.Asn656Ser)

Gene: PDGFRA (platelet derived growth factor receptor alpha; plus strand). Cytogenetic location: 4q12.
Variant type: single nucleotide variant.
Coding change: c.1967A>G on transcript NM_006206.6 (MANE Select); coding-DNA position 1967, A replaced by G.
Protein change: p.Asn656Ser; replaces asparagine 656 with serine.
Molecular consequence: missense variant.
Genome position (GRCh38, 1-based): chr4:54,277,971, A>G. VCF-style: chr4-54277971-A-G. GRCh37 (hg19) VCF-style: chr4-55144138-A-G.
Other names: c.1967A>G, p.Asn656Ser (NM_001347827.2, NM_001347829.2); c.2042A>G, p.Asn681Ser (NM_001347828.2); c.2006A>G, p.Asn669Ser (NM_001347830.2); short protein forms N669S, N656S, N681S.
Identifiers: ClinVar variation 1783539 (VCV001783539.2), dbSNP rs2110311837, ClinGen allele CA356893731.